The following is an entry in ClinVar:

NM_014915.3(ANKRD26):c.741-14T>G

Gene: ANKRD26 (ankyrin repeat domain 26; minus strand). Cytogenetic location: 10p12.1.
Variant type: single nucleotide variant.
Coding change: c.741-14T>G on transcript NM_014915.3 (MANE Select); 14 bases into the intron before coding-DNA position 741, T replaced by G.
Molecular consequence: intron variant.
Genome position (GRCh38, 1-based): chr10:27,079,175, A>C on the plus strand (T>G on the coding strand, the complement: ANKRD26 is on the minus strand). VCF-style: chr10-27079175-A-C. GRCh37 (hg19) VCF-style: chr10-27368104-A-C.
Other names: c.741-14T>G (NM_001256053.2).
Identifiers: ClinVar variation 1920567 (VCV001920567.5), dbSNP rs368092408, ClinGen allele CA5448801.

ClinVar aggregate classification (germline): Uncertain significance (1 of 4 stars; one submission).

Allele frequency attached by ClinVar (database versions not stated): ExAC 0.00002; TOPMed 0.00002; gnomAD exomes 0.00003; gnomAD 0.00005; ESP Exome Variant Server 0.00009.
gnomAD v4.1: 55 of 1,602,118 alleles (0.0034%); highest among the groups gnomAD compares: Non-Finnish European, 0.0044%; 1 homozygote.

Submission:

Labcorp Genetics (formerly Invitae), Labcorp
Classification: Uncertain significance. Last evaluated: 2025-12-16. Review status: criteria provided, single submitter. Criteria: Invitae Variant Classification Sherloc (09022015). Collection method: clinical testing. Allele origin: germline.
Comment: This sequence change falls in intron 6 of the ANKRD26 gene. It does not directly change the encoded amino acid sequence of the ANKRD26 protein. This variant is present in population databases (rs368092408, gnomAD 0.006%). This variant has not been reported in the literature in individuals affected with ANKRD26-related conditions. ClinVar contains an entry for this variant (Variation ID: 1920567). Algorithms developed to predict the effect of sequence changes on RNA splicing suggest that this variant may disrupt the consensus splice site. In summary, the available evidence is currently insufficient to determine the role of this variant in disease. Therefore, it has been classified as a Variant of Uncertain Significance.